The following is an entry in ClinVar:

NM_001042432.2(CLN3):c.378_379dup (p.Arg127fs)

Gene: CLN3 (CLN3 lysosomal/endosomal transmembrane protein, battenin; minus strand). Cytogenetic location: 16p12.1.
Variant type: Duplication.
Coding change: c.378_379dup on transcript NM_001042432.2 (MANE Select); coding-DNA positions 378 to 379, 2 bases duplicated (CC; older notation c.378_379dupCC).
Protein change: p.Arg127fs; shifts the reading frame from arginine 127.
Molecular consequence: frameshift variant.
Genome position (GRCh38, 1-based): chr16:28,487,537-28,487,538, GG duplicated on the plus strand (CC on the coding strand, the reverse complement: CLN3 is on the minus strand); duplicating any 2 consecutive bases within chr16:28,487,537-28,487,541 gives the same sequence; the c. name uses the placement nearest the transcript's 3' end. VCF-style (leftmost placement, unchanged base first): chr16-28487536-C-CGG. GRCh37 (hg19) VCF-style: chr16-28498857-C-CGG.
Other names: c.378_379dup, p.Arg127fs (NM_000086.2); c.306_307dup, p.Arg103fs (NM_001286104.2); c.78_79dup, p.Arg27fs (NM_001286105.2); c.144_145dup, p.Arg49fs (NM_001286109.2); c.216_217dup, p.Arg73fs (NM_001286110.2); c.378_379dupCC (NM_001042432.1); short protein forms R49fs, R103fs, R27fs, R127fs, R73fs.
Identifiers: ClinVar variation 56266 (VCV000056266.2), dbSNP rs386833717, ClinGen allele CA263666.

ClinVar aggregate classification (germline): Likely pathogenic (0 of 4 stars; one submission).

Conditions:
Neuronal ceroid lipofuscinosis 3 (CLN3). Identifiers: Orphanet 228346, MedGen C0751383, MONDO:0008767, OMIM 204200.

Allele frequency attached by ClinVar (database versions not stated): gnomAD exomes below 0.00001.

Submission:

Juha Muilu Group; Institute for Molecular Medicine Finland (FIMM)
Classification: Likely pathogenic for Juvenile neuronal ceroid lipofuscinosis. Review status: no assertion criteria provided. Collection method: not provided. Allele origin: unknown.
Comment: FinDis database variant: This variant was not found or characterized by our laboratory, data were collected from public sources: see reference
ClinVar note: Converted during submission from probable-pathogenic to Likely pathogenic.